The following is an entry in ClinVar:

NM_001378454.1(ALMS1):c.12259C>T (p.Gln4087Ter)

Genes: ALMS1 (ALMS1 centrosome and basal body associated protein; plus strand), LOC126806252 (BRD4-independent group 4 enhancer GRCh37_chr2:73828496-73829695; plus strand). Cytogenetic location: 2p13.1.
Variant type: single nucleotide variant.
Coding change: c.12259C>T on transcript NM_001378454.1 (MANE Select); coding-DNA position 12259, C replaced by T.
Protein change: p.Gln4087Ter; replaces glutamine 4087 with a stop codon.
Molecular consequence: nonsense.
Genome position (GRCh38, 1-based): chr2:73,602,329, C>T. VCF-style: chr2-73602329-C-T. GRCh37 (hg19) VCF-style: chr2-73829456-C-T.
Other names: c.12262C>T, p.Gln4088Ter (NM_015120.4); short protein forms Q4088*, Q4087*.
Identifiers: ClinVar variation 2032806 (VCV002032806.4), dbSNP rs2466526986, ClinGen allele CA347268555.

ClinVar aggregate classification (germline): Pathogenic (1 of 4 stars; one submission).

Conditions:
Alstrom syndrome (ALMS). Identifiers: Orphanet 64, MedGen C0268425, MONDO:0008763, OMIM 203800.

Submission:

Labcorp Genetics (formerly Invitae), Labcorp
Classification: Pathogenic for Alstrom syndrome. Last evaluated: 2022-09-27. Review status: criteria provided, single submitter. Criteria: Invitae Variant Classification Sherloc (09022015). Collection method: clinical testing. Allele origin: germline.
Comment: This sequence change creates a premature translational stop signal (p.Gln4088*) in the ALMS1 gene. It is expected to result in an absent or disrupted protein product. Loss-of-function variants in ALMS1 are known to be pathogenic (PMID: 17594715). For these reasons, this variant has been classified as Pathogenic. Algorithms developed to predict the effect of sequence changes on RNA splicing suggest that this variant may create or strengthen a splice site. This variant has not been reported in the literature in individuals affected with ALMS1-related conditions. This variant is not present in population databases (gnomAD no frequency).

Literature cited by the submitters: PubMed 17594715.